The following is an entry in ClinVar:

ClinVar aggregate classification (germline): Pathogenic (1 of 4 stars; one submission).

Conditions:
Familial cancer of breast. Also called: Hereditary breast cancer; BREAST CANCER, FAMILIAL; hereditary breast carcinoma. Identifiers: Orphanet 227535, MedGen C0346153, MONDO:0016419, OMIM 114480. Disease mechanism: loss of function.

Submission:

Myriad Genetics, Inc.
Classification: Pathogenic for Familial cancer of breast. Last evaluated: 2025-03-27. Review status: criteria provided, single submitter. Criteria: Myriad Autosomal Dominant, Autosomal Recessive and X-Linked Classification Criteria (2023). Collection method: clinical testing. Allele origin: unknown.
Comment: This variant is considered pathogenic. This variant creates a frameshift predicted to result in premature protein truncation.

NM_000051.4(ATM):c.6037_6038insCTAT (p.Gly2013fs)

Genes: ATM (ATM serine/threonine kinase; plus strand), C11orf65 (chromosome 11 open reading frame 65; minus strand). Cytogenetic location: 11q22.3.
Variant type: Insertion.
Coding change: c.6037_6038insCTAT on transcript NM_000051.4 (MANE Select); coding-DNA positions 6037 to 6038, CTAT inserted.
Protein change: p.Gly2013fs; shifts the reading frame from glycine 2013.
Molecular consequence: frameshift variant. On other transcripts: intron variant (2).
Genome position: GRCh38 VCF-style: chr11-108315853-G-GCTAT. GRCh37 (hg19) VCF-style: chr11-108186580-G-GCTAT.
Other names: c.6037_6038insCTAT, p.Gly2013fs (NM_001351834.2); c.641-6783_641-6782insATAG (NM_001330368.2); c.*39-6783_*39-6782insATAG (NM_001351110.2); short protein forms G2013fs.
Identifiers: ClinVar variation 3904752 (VCV003904752.1).